The following is an entry in ClinVar:

NM_182914.3(SYNE2):c.14823T>C (p.Ala4941=)

Gene: SYNE2 (spectrin repeat containing nuclear envelope protein 2; plus strand). Cytogenetic location: 14q23.2.
Variant type: single nucleotide variant.
Coding change: c.14823T>C on transcript NM_182914.3 (MANE Select); coding-DNA position 14823, T replaced by C.
Protein change: p.Ala4941=; no amino-acid change (alanine 4941 retained).
Molecular consequence: synonymous variant.
Genome position (GRCh38, 1-based): chr14:64,137,963, T>C. VCF-style: chr14-64137963-T-C. GRCh37 (hg19) VCF-style: chr14-64604681-T-C.
Other names: c.14823T>C, p.Ala4941= (NM_015180.6); c.14823T>C (NM_182914.2).
Identifiers: ClinVar variation 1528146 (VCV001528146.10), dbSNP rs552871021, ClinGen allele CA7222878.

ClinVar aggregate classification (germline): Benign. Review status: criteria provided, single submitter (1 of 4 stars). 2 submissions from 2 submitters: Benign (1). 1 of the submissions does not count toward it. Last evaluated 2025-10-01.

Conditions:
SYNE2-related disorder. Also called: SYNE2-related condition.
Emery-Dreifuss muscular dystrophy 5, autosomal dominant (EDMD5). Also called: EMERY-DREIFUSS MUSCULAR DYSTROPHY 5. Identifiers: Orphanet 261, MedGen C2751805, MONDO:0013072, OMIM 612999.

Allele frequency attached by ClinVar (database versions not stated): gnomAD exomes 0.00002 and 0.00006; ExAC 0.00010; gnomAD 0.00023 and 0.00024; TOPMed 0.00025; 1000 Genomes Project 30x 0.00031; 1000 Genomes Project 0.00040.
gnomAD v4.1: 70 of 1,613,966 alleles (0.0043%); highest among the groups gnomAD compares: African/African-American, 0.083%; no homozygotes.

Submissions (2):

Labcorp Genetics (formerly Invitae), Labcorp
Classification: Benign for Emery-Dreifuss muscular dystrophy 5, autosomal dominant. Last evaluated: 2025-10-01. Review status: criteria provided, single submitter. Criteria: Invitae Variant Classification Sherloc (09022015). Collection method: clinical testing. Allele origin: germline.

PreventionGenetics, part of Exact Sciences
Classification: Likely benign for SYNE2-related condition. Last evaluated: 2019-08-13. Review status: no assertion criteria provided. Collection method: clinical testing. Allele origin: germline. Not counted in ClinVar's aggregate classification.
Comment: This variant is classified as likely benign based on ACMG/AMP sequence variant interpretation guidelines (Richards et al. 2015 PMID: 25741868, with internal and published modifications).